The following is an entry in ClinVar:

ClinVar aggregate classification (germline): Likely benign (1 of 4 stars; one submission).

Allele frequency attached by ClinVar (database versions not stated): gnomAD exomes below 0.00001; TOPMed 0.00001 and below 0.00001; gnomAD 0.00001; ExAC 0.00001.
gnomAD v4.1: 1 of 1,574,650 alleles (0.000064%); highest among the groups gnomAD compares: African/African-American, 0.0013%; no homozygotes.

Submission:

GeneDx
Classification: Likely benign. Last evaluated: 2018-05-03. Review status: criteria provided, single submitter. Criteria: GeneDx Variant Classification (06012015). Collection method: clinical testing. Allele origin: germline. Affected: yes.
Comment: This variant is considered likely benign or benign based on one or more of the following criteria: it is a conservative change, it occurs at a poorly conserved position in the protein, it is predicted to be benign by multiple in silico algorithms, and/or has population frequency not consistent with disease.

NM_000834.5(GRIN2B):c.999T>C (p.Asn333=)

Gene: GRIN2B (glutamate ionotropic receptor NMDA type subunit 2B; minus strand). Cytogenetic location: 12p13.1.
Variant type: single nucleotide variant.
Coding change: c.999T>C on transcript NM_000834.5 (MANE Select); coding-DNA position 999, T replaced by C.
Protein change: p.Asn333=; no amino-acid change (asparagine 333 retained).
Molecular consequence: synonymous variant.
Genome position (GRCh38, 1-based): chr12:13,753,328, A>G on the plus strand (T>C on the coding strand, the complement: GRIN2B is on the minus strand). VCF-style: chr12-13753328-A-G. GRCh37 (hg19) VCF-style: chr12-13906262-A-G.
Identifiers: ClinVar variation 668157 (VCV000668157.1), dbSNP rs779643614, ClinGen allele CA6461344.